The following is an entry in ClinVar:

ClinVar aggregate classification (germline): Uncertain significance (1 of 4 stars; one submission).

gnomAD v4.1: 4 of 1,614,170 alleles (0.00025%); highest among the groups gnomAD compares: East Asian, 0.0045%; no homozygotes.

Submission:

Ambry Genetics
Classification: Uncertain significance. Last evaluated: 2024-11-11. Review status: criteria provided, single submitter. Criteria: Ambry Variant Classification Scheme 2023. Collection method: clinical testing. Allele origin: germline.
Comment: The p.P271T variant (also known as c.811C>A), located in coding exon 1 of the PALLD gene, results from a C to A substitution at nucleotide position 811. The proline at codon 271 is replaced by threonine, an amino acid with highly similar properties. This amino acid position is conserved. In addition, this alteration is predicted to be deleterious by in silico analysis. Based on the available evidence, the clinical significance of this variant remains unclear.

NM_001166108.2(PALLD):c.811C>A (p.Pro271Thr)

Gene: PALLD (palladin, cytoskeletal associated protein; plus strand). Cytogenetic location: 4q32.3.
Variant type: single nucleotide variant.
Coding change: c.811C>A on transcript NM_001166108.2 (MANE Select); coding-DNA position 811, C replaced by A.
Protein change: p.Pro271Thr; replaces proline 271 with threonine.
Molecular consequence: missense variant.
Genome position (GRCh38, 1-based): chr4:168,512,315, C>A. VCF-style: chr4-168512315-C-A. GRCh37 (hg19) VCF-style: chr4-169433466-C-A.
Other names: c.811C>A, p.Pro271Thr (NM_016081.4); short protein forms P271T.
Identifiers: ClinVar variation 3413542 (VCV003413542.1).